The following is an entry in ClinVar:

NM_024422.6(DSC2):c.1313T>C (p.Val438Ala)

Gene: DSC2 (desmocollin 2; minus strand). Cytogenetic location: 18q12.1.
Variant type: single nucleotide variant.
Coding change: c.1313T>C on transcript NM_024422.6 (MANE Select); coding-DNA position 1313, T replaced by C.
Protein change: p.Val438Ala; replaces valine 438 with alanine.
Molecular consequence: missense variant.
Genome position (GRCh38, 1-based): chr18:31,080,303, A>G on the plus strand (T>C on the coding strand, the complement: DSC2 is on the minus strand). VCF-style: chr18-31080303-A-G. GRCh37 (hg19) VCF-style: chr18-28660269-A-G.
Other names: c.884T>C, p.Val295Ala (NM_001406506.1, NM_001406507.1); c.1313T>C, p.Val438Ala (NM_004949.5); short protein forms V438A, V295A.
Identifiers: ClinVar variation 2807620 (VCV002807620.3), dbSNP rs2510947149, ClinGen allele CA402108832.

ClinVar aggregate classification (germline): Uncertain significance (1 of 4 stars; one submission).

Conditions:
Arrhythmogenic right ventricular dysplasia 11. Also called: ARRHYTHMOGENIC RIGHT VENTRICULAR DYSPLASIA, FAMILIAL, 11; Arrhythmogenic Right Ventricular Dysplasia/Cardiomyopathy11; Arrhythmogenic right ventricular dysplasia 11 with mild palmoplantar keratoderma and woolly hair. Identifiers: MedGen C1864850, MONDO:0012506, OMIM 610476.

Submission:

Labcorp Genetics (formerly Invitae), Labcorp
Classification: Uncertain significance for Arrhythmogenic right ventricular dysplasia 11. Last evaluated: 2023-04-11. Review status: criteria provided, single submitter. Criteria: Invitae Variant Classification Sherloc (09022015). Collection method: clinical testing. Allele origin: germline.
Comment: This sequence change replaces valine, which is neutral and non-polar, with alanine, which is neutral and non-polar, at codon 438 of the DSC2 protein (p.Val438Ala). This variant is not present in population databases (gnomAD no frequency). This variant has not been reported in the literature in individuals affected with DSC2-related conditions. Advanced modeling of protein sequence and biophysical properties (such as structural, functional, and spatial information, amino acid conservation, physicochemical variation, residue mobility, and thermodynamic stability) performed at Invitae indicates that this missense variant is not expected to disrupt DSC2 protein function. In summary, the available evidence is currently insufficient to determine the role of this variant in disease. Therefore, it has been classified as a Variant of Uncertain Significance.